The following is an entry in ClinVar:

ClinVar aggregate classification (germline): Uncertain significance. Review status: criteria provided, multiple submitters, no conflicts (2 of 4 stars). 2 submissions from 2 submitters: Uncertain significance (2). Last evaluated 2025-10-21.

Conditions:
Inborn genetic diseases. Identifiers: MedGen C0950123, MeSH D030342.
Lymphoproliferative syndrome 2 (LPFS2). Also called: Combined immunodeficiency due to CD27 deficiency; CD27 DEFICIENCY. Identifiers: Orphanet 238505, MedGen C3554540, MONDO:0014054, OMIM 615122.

Allele frequency attached by ClinVar (database versions not stated): TOPMed 0.00001; gnomAD exomes 0.00004 and 0.00007; ExAC 0.00007.
gnomAD v4.1: 60 of 1,614,176 alleles (0.0037%); highest among the groups gnomAD compares: South Asian, 0.025%; no homozygotes.

Submissions (2):

Labcorp Genetics (formerly Invitae), Labcorp
Classification: Uncertain significance for Lymphoproliferative syndrome 2. Last evaluated: 2025-10-21. Review status: criteria provided, single submitter. Criteria: Invitae Variant Classification Sherloc (09022015). Collection method: clinical testing. Allele origin: germline.
Comment: This sequence change replaces valine, which is neutral and non-polar, with methionine, which is neutral and non-polar, at codon 50 of the CD27 protein (p.Val50Met). This variant is present in population databases (rs763617266, gnomAD 0.04%). This variant has not been reported in the literature in individuals affected with CD27-related conditions. ClinVar contains an entry for this variant (Variation ID: 1022183). Invitae Evidence Modeling of protein sequence and biophysical properties (such as structural, functional, and spatial information, amino acid conservation, physicochemical variation, residue mobility, and thermodynamic stability) indicates that this missense variant is not expected to disrupt CD27 protein function with a negative predictive value of 80%. In summary, the available evidence is currently insufficient to determine the role of this variant in disease. Therefore, it has been classified as a Variant of Uncertain Significance.

Ambry Genetics
Classification: Uncertain significance for Inborn genetic diseases. Last evaluated: 2025-10-07. Review status: criteria provided, single submitter. Criteria: Ambry Variant Classification Scheme 2023. Collection method: clinical testing. Allele origin: germline.

NM_001242.5(CD27):c.148G>A (p.Val50Met)

Genes: CD27 (CD27 molecule; plus strand), CD27-AS1 (CD27 antisense RNA 1; minus strand). Cytogenetic location: 12p13.31.
Variant type: single nucleotide variant.
Coding change: c.148G>A on transcript NM_001242.5 (MANE Select); coding-DNA position 148, G replaced by A.
Protein change: p.Val50Met; replaces valine 50 with methionine.
Molecular consequence: missense variant.
Genome position (GRCh38, 1-based): chr12:6,445,435, G>A. VCF-style: chr12-6445435-G-A. GRCh37 (hg19) VCF-style: chr12-6554601-G-A.
Other names: c.148G>A (NM_001242.4); short protein forms V50M.
Identifiers: ClinVar variation 1022183 (VCV001022183.8), dbSNP rs763617266, ClinGen allele CA6406892.